The following is an entry in ClinVar:

NM_145691.4(ATPAF2):c.393C>T (p.Ala131=)

Gene: ATPAF2 (ATP synthase mitochondrial F1 complex assembly factor 2; minus strand). Cytogenetic location: 17p11.2.
Variant type: single nucleotide variant.
Coding change: c.393C>T on transcript NM_145691.4 (MANE Select); coding-DNA position 393, C replaced by T.
Protein change: p.Ala131=; no amino-acid change (alanine 131 retained).
Molecular consequence: synonymous variant.
Genome position (GRCh38, 1-based): chr17:18,026,348, G>A on the plus strand (C>T on the coding strand, the complement: ATPAF2 is on the minus strand). VCF-style: chr17-18026348-G-A. GRCh37 (hg19) VCF-style: chr17-17929662-G-A.
Identifiers: ClinVar variation 617990 (VCV000617990.12), dbSNP rs202006856, ClinGen allele CA8421886.

ClinVar aggregate classification (germline): Likely benign. Review status: criteria provided, multiple submitters, no conflicts (2 of 4 stars). 2 submissions from 2 submitters: Likely benign (2). Last evaluated 2023-01-26.

Allele frequency attached by ClinVar (database versions not stated): gnomAD 0.00001 and 0.00003; TOPMed 0.00002; gnomAD exomes 0.00004 and 0.00007; ExAC 0.00006; ESP Exome Variant Server 0.00015.
gnomAD v4.1: 70 of 1,614,046 alleles (0.0043%); highest among the groups gnomAD compares: South Asian, 0.033%; no homozygotes.

Submissions (2):

Labcorp Genetics (formerly Invitae), Labcorp
Classification: Likely benign. Last evaluated: 2023-01-26. Review status: criteria provided, single submitter. Criteria: Invitae Variant Classification Sherloc (09022015). Collection method: clinical testing. Allele origin: germline.

ARUP Laboratories, Molecular Genetics and Genomics, ARUP Laboratories
Classification: Likely benign. Last evaluated: 2017-12-08. Review status: criteria provided, single submitter. Criteria: ARUP Molecular Germline Variant Investigation Process. Collection method: clinical testing. Allele origin: germline.
Comment: The ATPAF2 c.393C>T variant (rs202006856) has not been reported in the medical literature, is not listed in gene-specific variant databases, nor has it been previously identified in our laboratory. The c.393C>T variant is listed in the Genome Aggregation Database (gnomAD) browser with an allele frequency of 0.04% in the South Asian population (identified in 13 out of 30,782 chromosomes). The cytosine at nucleotide 393 is not conserved (phyloP=-0.04), and computational analyses predict that this variant does not affect splicing of the ATPAF2 mRNA (Alamut software v2.10.0). Therefore, based on the available evidence, the c.393C>T variant is classified as likely benign.